The following is an entry in ClinVar:

ClinVar aggregate classification (germline): Uncertain significance (1 of 4 stars; one submission).

Conditions:
Hereditary cancer-predisposing syndrome. Also called: Neoplastic Syndromes, Hereditary; Tumor predisposition; Hereditary neoplastic syndrome; Hereditary Cancer Syndrome. Identifiers: Orphanet 140162, MedGen C0027672, MeSH D009386, MONDO:0015356.

Submission:

Ambry Genetics
Classification: Uncertain significance for Hereditary cancer-predisposing syndrome. Last evaluated: 2025-04-09. Review status: criteria provided, single submitter. Criteria: Ambry Variant Classification Scheme 2023. Collection method: clinical testing. Allele origin: germline.
Comment: The p.L61I variant (also known as c.181C>A), located in coding exon 1 of the MEN1 gene, results from a C to A substitution at nucleotide position 181. The leucine at codon 61 is replaced by isoleucine, an amino acid with highly similar properties. This amino acid position is well conserved in available vertebrate species. In addition, the in silico prediction for this alteration is inconclusive. Based on the available evidence, the clinical significance of this variant remains unclear.

NM_001370259.2(MEN1):c.181C>A (p.Leu61Ile)

Gene: MEN1 (menin 1; minus strand). Cytogenetic location: 11q13.1.
Variant type: single nucleotide variant.
Coding change: c.181C>A on transcript NM_001370259.2 (MANE Select); coding-DNA position 181, C replaced by A.
Protein change: p.Leu61Ile; replaces leucine 61 with isoleucine.
Molecular consequence: missense variant. On other transcripts: non-coding transcript variant (4).
Genome position (GRCh38, 1-based): chr11:64,809,929, G>T on the plus strand (C>A on the coding strand, the complement: MEN1 is on the minus strand). VCF-style: chr11-64809929-G-T. GRCh37 (hg19) VCF-style: chr11-64577401-G-T.
Other names: c.181C>A, p.Leu61Ile (NM_000244.4, NM_001370251.2, NM_001370260.2 and 20 more transcripts); short protein forms L61I.
Identifiers: ClinVar variation 4053791 (VCV004053791.1).